The following is an entry in ClinVar:

NM_001256007.3(PNPLA8):c.160A>G (p.Ile54Val)

Gene: PNPLA8 (patatin like domain 8, phospholipase A2; minus strand). Cytogenetic location: 7q31.1.
Variant type: single nucleotide variant.
Coding change: c.160A>G on transcript NM_001256007.3 (MANE Select); coding-DNA position 160, A replaced by G.
Protein change: p.Ile54Val; replaces isoleucine 54 with valine.
Molecular consequence: missense variant. On other transcripts: 5 prime UTR variant (2).
Genome position (GRCh38, 1-based): chr7:108,515,332, T>C on the plus strand (A>G on the coding strand, the complement: PNPLA8 is on the minus strand). VCF-style: chr7-108515332-T-C. GRCh37 (hg19) VCF-style: chr7-108155776-T-C.
Other names: c.160A>G, p.Ile54Val (NM_001256008.3, NM_001256009.3, NM_015723.5); c.-141A>G (NM_001256010.3, NM_001256011.3); short protein forms I54V.
Identifiers: ClinVar variation 1720898 (VCV001720898.5), dbSNP rs1202261930, ClinGen allele CA368899457.

ClinVar aggregate classification (germline): Uncertain significance (1 of 4 stars; one submission).

Allele frequency attached by ClinVar (database versions not stated): gnomAD 0.00001; TOPMed 0.00001.
gnomAD v4.1: 3 of 1,613,562 alleles (0.00019%); highest among the groups gnomAD compares: African/African-American, 0.0027%; no homozygotes.

Submission:

Labcorp Genetics (formerly Invitae), Labcorp
Classification: Uncertain significance. Last evaluated: 2022-07-21. Review status: criteria provided, single submitter. Criteria: Invitae Variant Classification Sherloc (09022015). Collection method: clinical testing. Allele origin: germline.
Comment: In summary, the available evidence is currently insufficient to determine the role of this variant in disease. Therefore, it has been classified as a Variant of Uncertain Significance. Algorithms developed to predict the effect of missense changes on protein structure and function (SIFT, PolyPhen-2, Align-GVGD) all suggest that this variant is likely to be tolerated. This variant has not been reported in the literature in individuals affected with PNPLA8-related conditions. This variant is present in population databases (no rsID available, gnomAD 0.01%). This sequence change replaces isoleucine, which is neutral and non-polar, with valine, which is neutral and non-polar, at codon 54 of the PNPLA8 protein (p.Ile54Val).